The following is an entry in ClinVar:

NM_000138.5(FBN1):c.6871+3A>T

Gene: FBN1 (fibrillin 1; minus strand). Cytogenetic location: 15q21.1.
Variant type: single nucleotide variant.
Coding change: c.6871+3A>T on transcript NM_000138.5 (MANE Select); 3 bases into the intron after coding-DNA position 6871, A replaced by T.
Molecular consequence: intron variant.
Genome position (GRCh38, 1-based): chr15:48,430,668, T>A on the plus strand (A>T on the coding strand, the complement: FBN1 is on the minus strand). VCF-style: chr15-48430668-T-A. GRCh37 (hg19) VCF-style: chr15-48722865-T-A.
Identifiers: ClinVar variation 457254 (VCV000457254.7), dbSNP rs1555394752, ClinGen allele CA658656463.

ClinVar aggregate classification (germline): Uncertain significance (1 of 4 stars; one submission).

Conditions:
Marfan syndrome (MFS). Also called: MARFAN SYNDROME, TYPE I; FBN1-Related Marfan Syndrome; Marfan syndrome type 1; Marfan's syndrome; Marfan syndrome, classic. Identifiers: Orphanet 284963, Orphanet 558, MedGen C0024796, MONDO:0007947, OMIM 154700.
Familial thoracic aortic aneurysm and aortic dissection (TAAD). Also called: Thoracic aortic aneurysms and dissections. Identifiers: Orphanet 91387, MedGen C4707243, MONDO:0019625.

Submission:

Labcorp Genetics (formerly Invitae), Labcorp
Classification: Uncertain significance for Marfan syndrome; Familial thoracic aortic aneurysm and aortic dissection. Last evaluated: 2017-07-03. Review status: criteria provided, single submitter. Criteria: Invitae Variant Classification Sherloc (09022015). Collection method: clinical testing. Allele origin: germline.
Comment: In summary, this is a novel intronic change with uncertain impact on splicing. It has been classified as a Variant of Uncertain Significance. Algorithms developed to predict the effect of sequence changes on RNA splicing suggest that this variant may alter RNA splicing, but this prediction has not been confirmed by published transcriptional studies. This variant is not present in population databases (ExAC no frequency) and has not been reported in the literature in individuals with a FBN1-related disease. This sequence change falls in intron 56 of the FBN1 gene. It does not directly change the encoded amino acid sequence of the FBN1 protein.